The following is an entry in ClinVar:

NM_182961.4(SYNE1):c.22913G>A (p.Gly7638Asp)

Gene: SYNE1 (spectrin repeat containing nuclear envelope protein 1; minus strand). Cytogenetic location: 6q25.2.
Variant type: single nucleotide variant.
Coding change: c.22913G>A on transcript NM_182961.4 (MANE Select); coding-DNA position 22913, G replaced by A.
Protein change: p.Gly7638Asp; replaces glycine 7638 with aspartic acid.
Molecular consequence: missense variant.
Genome position (GRCh38, 1-based): chr6:152,206,274, C>T on the plus strand (G>A on the coding strand, the complement: SYNE1 is on the minus strand). VCF-style: chr6-152206274-C-T. GRCh37 (hg19) VCF-style: chr6-152527409-C-T.
Other names: c.22700G>A, p.Gly7567Asp (NM_033071.5); short protein forms G7567D, G7638D.
Identifiers: ClinVar variation 283618 (VCV000283618.28), dbSNP rs142117628, ClinGen allele CA4053754.

ClinVar aggregate classification (germline): Conflicting classifications of pathogenicity. Review status: criteria provided, conflicting classifications (1 of 4 stars). 11 submissions from 10 submitters: Uncertain significance (7); Benign (1). 3 of the submissions do not count toward it. Last evaluated 2026-01-09.

Conditions:
Autosomal recessive ataxia, Beauce type. Also called: Spinocerebellar ataxia, autosomal recessive 8; SYNE1 Deficiency; ATAXIA, RECESSIVE, OF BEAUCE; SYNE1-Related Autosomal Recessive Cerebellar Ataxia. Identifiers: Orphanet 88644, MedGen C1853116, MONDO:0012549, OMIM 610743.
Emery-Dreifuss muscular dystrophy 4, autosomal dominant (EDMD4). Also called: EMERY-DREIFUSS MUSCULAR DYSTROPHY 4 WITH VARIABLE FEATURES. Identifiers: Orphanet 261, MedGen C2751807, MONDO:0013071, OMIM 612998.

Allele frequency attached by ClinVar (database versions not stated): TOPMed 0.00037; gnomAD 0.00041 and 0.00040; gnomAD exomes 0.00046 and 0.00070; ExAC 0.00046; ESP Exome Variant Server 0.00069.
gnomAD v4.1: 1,065 of 1,613,862 alleles (0.066%); highest among the groups gnomAD compares: Non-Finnish European, 0.084%; no homozygotes.

Submissions (11):

Labcorp Genetics (formerly Invitae), Labcorp
Classification: Uncertain significance for Emery-Dreifuss muscular dystrophy 4, autosomal dominant; Autosomal recessive ataxia, Beauce type. Last evaluated: 2026-01-09. Review status: criteria provided, single submitter. Criteria: Invitae Variant Classification Sherloc (09022015). Collection method: clinical testing. Allele origin: germline.
Comment: This sequence change replaces glycine, which is neutral and non-polar, with aspartic acid, which is acidic and polar, at codon 7567 of the SYNE1 protein (p.Gly7567Asp). This variant is present in population databases (rs142117628, gnomAD 0.08%), and has an allele count higher than expected for a pathogenic variant. This missense change has been observed in individual(s) with clinical features of SYNE1-related conditions (PMID: 32816195). This variant is also known as p.Gly7638Asp. ClinVar contains an entry for this variant (Variation ID: 283618). An algorithm developed to predict the effect of missense changes on protein structure and function (PolyPhen-2) suggests that this variant is likely to be tolerated. In summary, the available evidence is currently insufficient to determine the role of this variant in disease. Therefore, it has been classified as a Variant of Uncertain Significance.

Athena Diagnostics
Classification: Uncertain significance. Last evaluated: 2025-10-10. Review status: criteria provided, single submitter. Criteria: Athena Diagnostics Criteria. Collection method: clinical testing. Allele origin: unknown.
Comment: Available data are insufficient to determine the clinical significance of the variant at this time. The frequency of this variant in the general population is higher than would generally be expected for pathogenic variants in this gene. This variant has been identified in at least one individual with autosomal recessive spinocerebellar ataxia. Polyphen and MutationTaster predict this amino acid change may be benign.

GeneDx
Classification: Uncertain significance. Last evaluated: 2025-10-01. Review status: criteria provided, single submitter. Criteria: GeneDx Variant Classification Process June 2021. Collection method: clinical testing. Allele origin: germline.
Comment: In silico analysis suggests that this missense variant does not alter protein structure/function; Reported previously, presumably in an alternate transcript, in a patient with ataxia, neuropathy, and cognitive impairment who also harbored a second variant, phase unknown (PMID: 32816195); This variant is associated with the following publications: (PMID: 32816195)

ARUP Laboratories, Molecular Genetics and Genomics, ARUP Laboratories
Classification: Uncertain significance. Last evaluated: 2024-10-17. Review status: criteria provided, single submitter. Criteria: ARUP Molecular Germline Variant Investigation Process 2024. Collection method: clinical testing. Allele origin: germline.

Women's Health and Genetics/Laboratory Corporation of America, LabCorp
Classification: Uncertain significance. Last evaluated: 2024-06-20. Review status: criteria provided, single submitter. Criteria: LabCorp Variant Classification Summary - May 2015. Collection method: clinical testing. Allele origin: germline.
Comment: Variant summary: SYNE1 c.22700G>A (p.Gly7567Asp) results in a non-conservative amino acid change in the encoded protein sequence. Four of five in-silico tools predict a benign effect of the variant on protein function. The variant allele was found at a frequency of 0.00046 in 251128 control chromosomes (gnomAD). This frequency is not significantly higher than estimated for a pathogenic variant in SYNE1 causing SYNE1-Related Disorders, allowing no conclusion about variant significance. c.22700G>A has been reported in the literature in an individual affected with ataxia (Bogdanova-Mihaylova_2021). This report does not provide unequivocal conclusions about association of the variant with SYNE1-Related Disorders. To our knowledge, no experimental evidence demonstrating an impact on protein function has been reported. The following publication has been ascertained in the context of this evaluation (PMID: 32816195). ClinVar contains an entry for this variant (Variation ID: 283618). Based on the evidence outlined above, the variant was classified as uncertain significance.

Eurofins Ntd Llc (ga)
Classification: Uncertain significance. Last evaluated: 2018-05-22. Review status: criteria provided, single submitter. Criteria: EGL ClinVar v180209 classification definitions. Collection method: clinical testing. Allele origin: germline. Observed: 4 variant alleles, 4 heterozygotes.

Illumina Laboratory Services, Illumina
Classification: Benign for Emery-Dreifuss muscular dystrophy 4, autosomal dominant. Last evaluated: 2018-01-12. Review status: criteria provided, single submitter. Criteria: ICSL Variant Classification Criteria 13 December 2019. Collection method: clinical testing. Allele origin: germline.
Comment: This variant was observed in the ICSL laboratory as part of a predisposition screen in an ostensibly healthy population. It had not been previously curated by ICSL or reported in the Human Gene Mutation Database (HGMD: prior to June 1st, 2018), and was therefore a candidate for classification through an automated scoring system. Utilizing variant allele frequency, disease prevalence and penetrance estimates, and inheritance mode, an automated score was calculated to assess if this variant is too frequent to cause the disease. Based on the score and internal cut-off values, a variant classified as benign is not then subjected to further curation. The score for this variant resulted in a classification of benign for this disease.

Illumina Laboratory Services, Illumina
Classification: Uncertain significance for Autosomal recessive ataxia, Beauce type. Last evaluated: 2018-01-12. Review status: criteria provided, single submitter. Criteria: ICSL Variant Classification Criteria 13 December 2019. Collection method: clinical testing. Allele origin: germline.

Clinical Genetics DNA and cytogenetics Diagnostics Lab, Erasmus MC, Erasmus Medical Center
Classification: Uncertain significance. Review status: no assertion criteria provided. Collection method: clinical testing. Allele origin: germline. Affected: yes. Study: VKGL Data-share Consensus. Not counted in ClinVar's aggregate classification.

Clinical Genetics, Academic Medical Center
Classification: Uncertain significance. Review status: no assertion criteria provided. Collection method: clinical testing. Allele origin: germline. Affected: yes. Study: VKGL Data-share Consensus. Not counted in ClinVar's aggregate classification.

Diagnostic Laboratory, Department of Genetics, University Medical Center Groningen
Classification: Uncertain significance. Review status: no assertion criteria provided. Collection method: clinical testing. Allele origin: germline. Affected: yes. Study: VKGL Data-share Consensus. Not counted in ClinVar's aggregate classification.

Literature cited by the submitters: PubMed 32816195 (cited by 3 submitters).